The following is an entry in ClinVar:

NM_001243133.2(NLRP3):c.2329C>A (p.Arg777Ser)

Gene: NLRP3 (NLR family pyrin domain containing 3; plus strand). Cytogenetic location: 1q44.
Variant type: single nucleotide variant.
Coding change: c.2329C>A on transcript NM_001243133.2 (MANE Select); coding-DNA position 2329, C replaced by A.
Protein change: p.Arg777Ser; replaces arginine 777 with serine.
Molecular consequence: missense variant.
Genome position (GRCh38, 1-based): chr1:247,434,110, C>A. VCF-style: chr1-247434110-C-A. GRCh37 (hg19) VCF-style: chr1-247597412-C-A.
Other names: c.2329C>A, p.Arg777Ser (NM_001079821.3, NM_001127461.3); c.2158C>A, p.Arg720Ser (NM_183395.3, NM_001127462.3); c.2335C>A, p.Arg779Ser (NM_004895.5); short protein forms R777S, R779S, R720S.
Identifiers: ClinVar variation 3633880 (VCV003633880.3).
Genomic context (GRCh38, chr1:247,434,110, plus strand): 5'-GCTCTCTGGTCAGGTGTGTTCTGATGCTTTCTGCCTCTGTTCTTGGCATGAAGGTTGGGG[C>A]GCTGTGGCCTCTCGCATGAGTGCTGCTTCGACATCTCCTTGGTCCTCAGCAGCAACCAGA-3'
Protein context (NP_001230062.1, residues 767-787): GCNIRRLWLG[Arg777Ser]CGLSHECCFD

ClinVar aggregate classification (germline): Uncertain significance. Review status: criteria provided, multiple submitters, no conflicts (2 of 4 stars). 2 submissions from 2 submitters: Uncertain significance (2). Last evaluated 2025-06-11.

Conditions:
Cryopyrin associated periodic syndrome (CAPS). Identifiers: Orphanet 208650, MedGen C2316212, MONDO:0016168.

Submissions (2):

GeneDx
Classification: Uncertain significance. Last evaluated: 2025-06-11. Review status: criteria provided, single submitter. Criteria: GeneDx Variant Classification Process June 2021. Collection method: clinical testing. Allele origin: germline. Affected: yes.
Comment: Not observed at significant frequency in large population cohorts (gnomAD); In silico analysis suggests that this missense variant does not alter protein structure/function; Has not been previously published as pathogenic or benign to our knowledge; Also known as p.(R777S)

Labcorp Genetics (formerly Invitae), Labcorp
Classification: Uncertain significance for Cryopyrin associated periodic syndrome. Last evaluated: 2024-07-21. Review status: criteria provided, single submitter. Criteria: Invitae Variant Classification Sherloc (09022015). Collection method: clinical testing. Allele origin: germline.
Comment: This sequence change replaces arginine, which is basic and polar, with serine, which is neutral and polar, at codon 779 of the NLRP3 protein (p.Arg779Ser). This variant is not present in population databases (gnomAD no frequency). This variant has not been reported in the literature in individuals affected with NLRP3-related conditions. Advanced modeling of protein sequence and biophysical properties (such as structural, functional, and spatial information, amino acid conservation, physicochemical variation, residue mobility, and thermodynamic stability) has been performed at Invitae for this missense variant, however the output from this modeling did not meet the statistical confidence thresholds required to predict the impact of this variant on NLRP3 protein function. In summary, the available evidence is currently insufficient to determine the role of this variant in disease. Therefore, it has been classified as a Variant of Uncertain Significance.